The following is an entry in ClinVar:

NM_013266.4(CTNNA3):c.1949G>A (p.Ser650Asn)

Genes: CTNNA3 (catenin alpha 3; minus strand), CTNNA3-AS1 (CTNNA3 antisense RNA 1; plus strand). Cytogenetic location: 10q21.3.
Variant type: single nucleotide variant.
Coding change: c.1949G>A on transcript NM_013266.4 (MANE Select); coding-DNA position 1949, G replaced by A.
Protein change: p.Ser650Asn; replaces serine 650 with asparagine.
Molecular consequence: missense variant.
Genome position (GRCh38, 1-based): chr10:66,103,185, C>T on the plus strand (G>A on the coding strand, the complement: CTNNA3 is on the minus strand). VCF-style: chr10-66103185-C-T. GRCh37 (hg19) VCF-style: chr10-67862943-C-T.
Other names: c.1949G>A, p.Ser650Asn (NM_001127384.3); short protein forms S650N.
Identifiers: ClinVar variation 409021 (VCV000409021.9), dbSNP rs1060502223, ClinGen allele CA16613112.

ClinVar aggregate classification (germline): Uncertain significance (1 of 4 stars; one submission).

Conditions:
Arrhythmogenic right ventricular dysplasia 13. Also called: ARRHYTHMOGENIC RIGHT VENTRICULAR CARDIOMYOPATHY 13; Arrhythmogenic right ventricular dysplasia, familial, 13. Identifiers: MedGen C3810138, MONDO:0000908, OMIM 615616.

Submission:

Labcorp Genetics (formerly Invitae), Labcorp
Classification: Uncertain significance for Arrhythmogenic right ventricular dysplasia 13. Last evaluated: 2016-08-10. Review status: criteria provided, single submitter. Criteria: Invitae Variant Classification Sherloc (09022015). Collection method: clinical testing. Allele origin: germline.
Comment: This variant is not present in population databases (ExAC no frequency) and has not been reported in the literature in individuals with a CTNNA3-related disease. In summary, this variant is a novel missense change with uncertain impact on protein function. It has been classified as a Variant of Uncertain Significance. Algorithms developed to predict the effect of missense changes on protein structure and function do not agree on the potential impact of this missense change (SIFT: "Deleterious"; PolyPhen-2: "Probably Damaging"; Align-GVGD: "Class C0"). This sequence change replaces serine with asparagine at codon 650 of the CTNNA3 protein (p.Ser650Asn). The serine residue is moderately conserved and there is a small physicochemical difference between serine and asparagine.